The following is an entry in ClinVar:

NM_001151.4(SLC25A4):c.599-11_621del

Gene: SLC25A4 (solute carrier family 25 member 4; plus strand). Cytogenetic location: 4q35.1.
Variant type: Deletion.
Coding change: c.599-11_621del on transcript NM_001151.4 (MANE Select); 11 bases into the intron before coding-DNA position 599 through coding-DNA position 621, 34 bases deleted.
Molecular consequence: splice acceptor variant.
Genome position (GRCh38, 1-based): chr4:185,145,748-185,145,781, 34 bases deleted; deleting any 34 consecutive bases within chr4:185,145,747-185,145,781 gives the same sequence; the c. name uses the placement nearest the transcript's 3' end. GRCh37 (hg19): chr4:186,066,902-186,066,935.
Identifiers: ClinVar variation 3778708 (VCV003778708.1).

ClinVar aggregate classification (germline): Likely pathogenic (1 of 4 stars; one submission).

Conditions:
Mitochondrial DNA depletion syndrome 12A (cardiomyopathic type), autosomal dominant. Also called: Mitochondrial DNA depletion syndrome 12A (cardiomyopathic type) AD. Identifiers: MedGen C4310676, MONDO:0014959, OMIM 617184.

Submission:

Institute of Human Genetics, University of Leipzig Medical Center
Classification: Likely pathogenic for Mitochondrial DNA depletion syndrome 12A (cardiomyopathic type), autosomal dominant. Last evaluated: 2025-03-24. Review status: criteria provided, single submitter. Criteria: ACMG Guidelines, 2015. Collection method: clinical testing. Allele origin: unknown. Inheritance: Autosomal dominant inheritance. Affected: yes.
Comment: Criteria applied: PVS1_STR,PM2